The following is an entry in ClinVar:

NM_152641.4(ARID2):c.4615G>A (p.Val1539Ile)

Gene: ARID2 (AT-rich interaction domain 2; plus strand). Cytogenetic location: 12q12.
Variant type: single nucleotide variant.
Coding change: c.4615G>A on transcript NM_152641.4 (MANE Select); coding-DNA position 4615, G replaced by A.
Protein change: p.Val1539Ile; replaces valine 1539 with isoleucine.
Molecular consequence: missense variant.
Genome position (GRCh38, 1-based): chr12:45,852,738, G>A. VCF-style: chr12-45852738-G-A. GRCh37 (hg19) VCF-style: chr12-46246521-G-A.
Other names: c.4615G>A, p.Val1539Ile (NM_001347839.2); short protein forms V1539I.
Identifiers: ClinVar variation 3364239 (VCV003364239.1).
Genomic context (GRCh38, chr12:45,852,738, plus strand): 5'-GCAGAGGATACTGATAGGGAAACAGTCGCAGGAATTCCAAATAAAGTAGGAGTTAGAATT[G>A]TTACAATCAGTGACCCCAACAATGCTGGCTGCAGCGCAACAATGGTTGCTGTGCCAGCAG-3'
Protein context (NP_689854.2, residues 1529-1549): GIPNKVGVRI[Val1539Ile]TISDPNNAGC

ClinVar aggregate classification (germline): Uncertain significance (1 of 4 stars; one submission).

Submission:

GeneDx
Classification: Uncertain significance. Last evaluated: 2023-11-14. Review status: criteria provided, single submitter. Criteria: GeneDx Variant Classification Process June 2021. Collection method: clinical testing. Allele origin: germline. Affected: yes.
Comment: Not observed at significant frequency in large population cohorts (gnomAD); In silico analysis supports that this missense variant does not alter protein structure/function; Has not been previously published as pathogenic or benign to our knowledge